The following is an entry in ClinVar:

ClinVar aggregate classification (germline): Uncertain significance. Review status: criteria provided, multiple submitters, no conflicts (2 of 4 stars). 2 submissions from 2 submitters: Uncertain significance (2). Last evaluated 2022-11-01.

Allele frequency attached by ClinVar (database versions not stated): gnomAD exomes below 0.00001 and 0.00002; ExAC 0.00001; TOPMed 0.00001; gnomAD 0.00002.
gnomAD v4.1: 31 of 1,614,018 alleles (0.0019%); highest among the groups gnomAD compares: Non-Finnish European, 0.0024%; no homozygotes.

Submissions (2):

CeGaT Center for Human Genetics Tuebingen
Classification: Uncertain significance. Last evaluated: 2022-11-01. Review status: criteria provided, single submitter. Criteria: CeGaT Center For Human Genetics Tuebingen Variant Classification Criteria Version 2. Collection method: clinical testing. Allele origin: germline. Affected: yes. Observed: 1 variant allele.
Comment: POMT2: PM2, PP3

Eurofins Ntd Llc (ga)
Classification: Uncertain significance. Last evaluated: 2016-06-09. Review status: criteria provided, single submitter. Criteria: EGL Classification Definitions 2015. Collection method: clinical testing. Allele origin: germline. Observed: 1 variant allele, 1 heterozygote.

NM_013382.7(POMT2):c.662T>A (p.Phe221Tyr)

Genes: POMT2 (protein O-mannosyltransferase 2; minus strand), LOC130056175 (ATAC-STARR-seq lymphoblastoid silent region 5968; plus strand). Cytogenetic location: 14q24.3.
Variant type: single nucleotide variant.
Coding change: c.662T>A on transcript NM_013382.7 (MANE Select); coding-DNA position 662, T replaced by A.
Protein change: p.Phe221Tyr; replaces phenylalanine 221 with tyrosine.
Molecular consequence: missense variant.
Genome position (GRCh38, 1-based): chr14:77,301,244, A>T on the plus strand (T>A on the coding strand, the complement: POMT2 is on the minus strand). VCF-style: chr14-77301244-A-T. GRCh37 (hg19) VCF-style: chr14-77767587-A-T.
Other names: short protein forms F221Y.
Identifiers: ClinVar variation 288656 (VCV000288656.34), dbSNP rs772895807, ClinGen allele CA7286111.